The following is an entry in ClinVar:

ClinVar aggregate classification (germline): Pathogenic (1 of 4 stars; one submission).

Conditions:
Cardiovascular phenotype. Identifiers: MedGen CN230736.
Hereditary cancer-predisposing syndrome. Also called: Neoplastic Syndromes, Hereditary; Tumor predisposition; Hereditary neoplastic syndrome; Hereditary Cancer Syndrome. Identifiers: Orphanet 140162, MedGen C0027672, MeSH D009386, MONDO:0015356.

Submission:

Ambry Genetics
Classification: Pathogenic for Cardiovascular phenotype; Hereditary cancer-predisposing syndrome. Last evaluated: 2026-07-31. Review status: criteria provided, single submitter. Criteria: Ambry Variant Classification Scheme 2023. Collection method: clinical testing. Allele origin: germline.
Comment: The c.2818_2819insT pathogenic mutation, located in coding exon 21 of the NF1 gene, results from an insertion of one nucleotide at position 2818, causing a translational frameshift with a predicted alternate stop codon (p.T940Ifs*7). This variant is considered to be rare based on population cohorts in the Genome Aggregation Database (gnomAD). This variant is expected to result in loss of function by premature protein truncation or nonsense-mediated mRNA decay. As such, this variant is interpreted as a disease-causing mutation.

NM_001042492.3(NF1):c.2818_2819insT (p.Thr940fs)

Gene: NF1 (neurofibromin 1; plus strand). Cytogenetic location: 17q11.2.
Variant type: Insertion.
Coding change: c.2818_2819insT on transcript NM_001042492.3 (MANE Select); coding-DNA positions 2818 to 2819, T inserted.
Protein change: p.Thr940fs; shifts the reading frame from threonine 940.
Molecular consequence: frameshift variant.
Genome position: GRCh38 VCF-style: chr17-31229433-A-AT. GRCh37 (hg19) VCF-style: chr17-29556451-A-AT.
Other names: c.2818_2819insT, p.Thr940fs (NM_000267.4); short protein forms T940fs.
Identifiers: ClinVar variation 5025594 (VCV005025594.1).